The following is an entry in ClinVar:

NM_001018115.3(FANCD2):c.1278+3_1278+5del

Genes: FANCD2 (FA complementation group D2; plus strand), LOC107303338 (3p25 FANCD2 Alu-mediated recombination region; plus strand). Cytogenetic location: 3p25.3.
Variant type: Deletion.
Coding change: c.1278+3_1278+5del on transcript NM_001018115.3 (MANE Select); bases 3 to 5 of the intron after coding-DNA position 1278, 3 bases deleted (AAG; older notation c.1278+3_1278+5delAAG).
Molecular consequence: intron variant.
Genome position (GRCh38, 1-based): chr3:10,046,726-10,046,728, AAG deleted. VCF-style (leftmost placement, unchanged base first): chr3-10046725-TAAG-T. GRCh37 (hg19) VCF-style: chr3-10088409-TAAG-T.
Other names: NC_000003.11:g.10088410_10088412del; c.1278+3_1278+5del (NM_001319984.2, NM_001374253.1, NM_033084.6 and 1 more transcripts); c.1278+3_1278+5delAAG (NM_001018115.2).
Identifiers: ClinVar variation 518343 (VCV000518343.5), dbSNP rs375350046, ClinGen allele CA2249571.

ClinVar aggregate classification (germline): Benign/Likely benign. Review status: no assertion criteria provided (0 of 4 stars). 3 submissions from 3 submitters: Benign (2); Likely benign (1). Last evaluated 2019-04-25.

Conditions:
FANCD2-related disorder. Also called: FANCD2-related condition.
Fanconi anemia complementation group D2. Also called: FANCD2-Related Fanconi Anemia; FANCONI PANCYTOPENIA, TYPE 4; FANCONI ANEMIA, COMPLEMENTATION GROUP D. Identifiers: Orphanet 84, MedGen C3160738, MONDO:0009214, OMIM 227646.

Allele frequency attached by ClinVar (database versions not stated): ExAC 0.03454.

Submissions (4):

PreventionGenetics, part of Exact Sciences
Classification: Benign for FANCD2-related condition. Last evaluated: 2019-04-25. Review status: no assertion criteria provided. Collection method: clinical testing. Allele origin: germline.
Comment: This variant is classified as benign based on ACMG/AMP sequence variant interpretation guidelines (Richards et al. 2015 PMID: 25741868, with internal and published modifications).

Diagnostic Laboratory, Department of Genetics, University Medical Center Groningen
Classification: Benign for Fanconi anemia complementation group D2. Review status: no assertion criteria provided. Collection method: clinical testing. Allele origin: germline. Affected: yes. Study: VKGL Data-share Consensus.

Dr. Peter K. Rogan Lab, Western University
No classification provided (evidence only). Condition: Cholangiocarcinoma. Review status: no classification provided. Collection method: in vitro. Allele origin: not applicable. Functional consequence: retained intron. Not counted in ClinVar's aggregate classification.

Laboratory of Diagnostic Genome Analysis, Leiden University Medical Center (LUMC)
Classification: Likely benign. Review status: no assertion criteria provided. Collection method: clinical testing. Allele origin: germline. Affected: yes. Study: VKGL Data-share Consensus.